The following is an entry in ClinVar:

ClinVar aggregate classification (germline): Uncertain significance. Review status: criteria provided, single submitter (1 of 4 stars). 2 submissions from 2 submitters: Uncertain significance (1). 1 of the submissions does not count toward it. Last evaluated 2023-12-28.

Conditions:
INPP5E-related disorder. Also called: INPP5E-related condition.
Joubert syndrome 1 (JBTS1). Also called: Cerebellooculorenal syndrome 1; CEREBELLOPARENCHYMAL DISORDER IV. Identifiers: MedGen C4551568, MONDO:0008944, OMIM 213300.
MORM syndrome (MORMS). Identifiers: Orphanet 75858, MedGen C1857802, MONDO:0012423, OMIM 610156.

Allele frequency attached by ClinVar (database versions not stated): ESP Exome Variant Server 0.00008; TOPMed 0.00016; gnomAD exomes 0.00001; ExAC 0.00004; 1000 Genomes Project 0.00020; 1000 Genomes Project 30x 0.00016; gnomAD 0.00023.

Submissions (2):

Fulgent Genetics
Classification: Uncertain significance for Joubert syndrome 1; MORM syndrome. Last evaluated: 2023-12-28. Review status: criteria provided, single submitter. Criteria: ACMG Guidelines, 2015. Collection method: clinical testing. Allele origin: germline.

PreventionGenetics, part of Exact Sciences
Classification: Likely benign for INPP5E-related condition. Last evaluated: 2021-07-14. Review status: no assertion criteria provided. Collection method: clinical testing. Allele origin: germline. Not counted in ClinVar's aggregate classification.
Comment: This variant is classified as likely benign based on ACMG/AMP sequence variant interpretation guidelines (Richards et al. 2015 PMID: 25741868, with internal and published modifications).

NM_019892.6(INPP5E):c.*5T>G

Gene: INPP5E (inositol polyphosphate-5-phosphatase E; minus strand). Cytogenetic location: 9q34.3.
Variant type: single nucleotide variant.
Coding change: c.*5T>G on transcript NM_019892.6 (MANE Select); 5 bases downstream of the stop codon, T replaced by G.
Molecular consequence: 3 prime UTR variant.
Genome position (GRCh38, 1-based): chr9:136,429,670, A>C on the plus strand (T>G on the coding strand, the complement: INPP5E is on the minus strand). VCF-style: chr9-136429670-A-C. GRCh37 (hg19) VCF-style: chr9-139324122-A-C.
Other names: c.*5T>G (NM_001318502.2).
Identifiers: ClinVar variation 3042809 (VCV003042809.3), dbSNP rs372454719, ClinGen allele CA5336620.